The following is an entry in ClinVar:

NM_001127511.3(APC):c.13C>G (p.Leu5Val)

Gene: APC (APC regulator of Wnt signaling pathway; plus strand). Cytogenetic location: 5q22.2.
Variant type: single nucleotide variant.
Coding change: c.13C>G on transcript NM_001127511.3; coding-DNA position 13, C replaced by G.
Protein change: p.Leu5Val; replaces leucine 5 with valine.
Molecular consequence: missense variant. On other transcripts: 5 prime UTR variant (8), non-coding transcript variant (1), intron variant (5).
Genome position (GRCh38, 1-based): chr5:112,707,730, C>G. VCF-style: chr5-112707730-C-G. GRCh37 (hg19) VCF-style: chr5-112043427-C-G.
Other names: c.-171C>G (NM_001354895.2, NM_001407447.1, NM_001407452.1 and 3 more transcripts); c.13C>G, p.Leu5Val (NM_001354897.2, NM_001354902.2, NM_001407446.1); c.-1206C>G (NM_001407470.1, NM_001407472.1); c.-19+81C>G (NM_001407448.1, NM_001407450.1, NM_001407457.1 and 1 more transcripts); c.-43+81C>G (NM_001407453.1); short protein forms L5V.
Identifiers: ClinVar variation 1503561 (VCV001503561.6), dbSNP rs2149630495, ClinGen allele CA360611585.

ClinVar aggregate classification (germline): Uncertain significance (1 of 4 stars; one submission).

Conditions:
Familial adenomatous polyposis 1 (FAP1). Also called: FAMILIAL ADENOMATOUS POLYPOSIS 1, ATTENUATED; POLYPOSIS, ADENOMATOUS INTESTINAL. Identifiers: MedGen C2713442, MONDO:0021056, OMIM 175100. Disease mechanism: loss of function.

Submission:

Labcorp Genetics (formerly Invitae), Labcorp
Classification: Uncertain significance for Familial adenomatous polyposis 1. Last evaluated: 2021-07-26. Review status: criteria provided, single submitter. Criteria: Invitae Variant Classification Sherloc (09022015). Collection method: clinical testing. Allele origin: germline.
Comment: This variant has not been reported in the literature in individuals affected with APC-related conditions. In summary, the available evidence is currently insufficient to determine the role of this variant in disease. Therefore, it has been classified as a Variant of Uncertain Significance. The frequency data for this variant in the population databases is considered unreliable, as metrics indicate insufficient coverage at this position in the ExAC database. This variant occurs in a non-coding region of the APC gene. It does not change the encoded amino acid sequence of the APC protein.